The following is an entry in ClinVar:

NM_030665.4(RAI1):c.2591A>G (p.Asp864Gly)

Gene: RAI1 (retinoic acid induced 1; plus strand). Cytogenetic location: 17p11.2.
Variant type: single nucleotide variant.
Coding change: c.2591A>G on transcript NM_030665.4 (MANE Select); coding-DNA position 2591, A replaced by G.
Protein change: p.Asp864Gly; replaces aspartic acid 864 with glycine.
Molecular consequence: missense variant.
Genome position (GRCh38, 1-based): chr17:17,795,539, A>G. VCF-style: chr17-17795539-A-G. GRCh37 (hg19) VCF-style: chr17-17698853-A-G.
Other names: c.2591A>G (NM_030665.3); short protein forms D864G.
Identifiers: ClinVar variation 2792894 (VCV002792894.6), dbSNP rs1304130987, ClinGen allele CA398551576.

ClinVar aggregate classification (germline): Uncertain significance. Review status: criteria provided, multiple submitters, no conflicts (2 of 4 stars). 3 submissions from 3 submitters: Uncertain significance (3). Last evaluated 2026-06-30.

Conditions:
Inborn genetic diseases. Identifiers: MedGen C0950123, MeSH D030342.
RAI1-related disorder. Also called: RAI1-related condition.

Allele frequency attached by ClinVar (database versions not stated): gnomAD 0.00001; TOPMed 0.00001.
gnomAD v4.1: 2 of 1,603,632 alleles (0.00012%); highest among the groups gnomAD compares: Non-Finnish European, 0.00017%; no homozygotes.

Submissions (3):

PreventionGenetics, part of Exact Sciences
Classification: Uncertain significance for RAI1-related condition. Last evaluated: 2026-06-30. Review status: criteria provided, single submitter. Criteria: ACMG Guidelines, 2015. Collection method: clinical testing. Allele origin: germline.
Comment: The RAI1 c.2591A>G variant is predicted to result in the amino acid substitution p.Asp864Gly. To our knowledge, this variant has not been reported in the literature or in a large population database, indicating this variant is rare. At this time, the clinical significance of this variant is uncertain due to the absence of conclusive functional and genetic evidence.

Labcorp Genetics (formerly Invitae), Labcorp
Classification: Uncertain significance. Last evaluated: 2024-10-30. Review status: criteria provided, single submitter. Criteria: Invitae Variant Classification Sherloc (09022015). Collection method: clinical testing. Allele origin: germline.
Comment: This sequence change replaces aspartic acid, which is acidic and polar, with glycine, which is neutral and non-polar, at codon 864 of the RAI1 protein (p.Asp864Gly). This variant is not present in population databases (gnomAD no frequency). This variant has not been reported in the literature in individuals affected with RAI1-related conditions. ClinVar contains an entry for this variant (Variation ID: 2792894). Invitae Evidence Modeling of protein sequence and biophysical properties (such as structural, functional, and spatial information, amino acid conservation, physicochemical variation, residue mobility, and thermodynamic stability) indicates that this missense variant is not expected to disrupt RAI1 protein function with a negative predictive value of 80%. In summary, the available evidence is currently insufficient to determine the role of this variant in disease. Therefore, it has been classified as a Variant of Uncertain Significance.

Ambry Genetics
Classification: Uncertain significance for Inborn genetic diseases. Last evaluated: 2024-08-12. Review status: criteria provided, single submitter. Criteria: Ambry Variant Classification Scheme 2023. Collection method: clinical testing. Allele origin: germline.